The following is an entry in ClinVar:

NM_001267550.2(TTN):c.10128G>A (p.Ser3376=)

Gene: TTN (titin; minus strand). Cytogenetic location: 2q31.2.
Variant type: single nucleotide variant.
Coding change: c.10128G>A on transcript NM_001267550.2 (MANE Select); coding-DNA position 10128, G replaced by A.
Protein change: p.Ser3376=; no amino-acid change (serine 3376 retained).
Molecular consequence: synonymous variant.
Genome position (GRCh38, 1-based): chr2:178,759,159, C>T on the plus strand (G>A on the coding strand, the complement: TTN is on the minus strand). VCF-style: chr2-178759159-C-T. GRCh37 (hg19) VCF-style: chr2-179623886-C-T.
Other names: c.9990G>A, p.Ser3330= (NM_003319.4, NM_133432.3, NM_133437.4); c.10128G>A, p.Ser3376= (NM_133379.5, NM_133378.4, NM_001256850.1).
Identifiers: ClinVar variation 238692 (VCV000238692.28), dbSNP rs755262343, ClinGen allele CA2004162.

ClinVar aggregate classification (germline): Conflicting classifications of pathogenicity. Review status: criteria provided, conflicting classifications (1 of 4 stars). 11 submissions from 7 submitters: Uncertain significance (3); Benign (3); Likely benign (3). 2 of the submissions do not count toward it. Last evaluated 2026-01-17.

Conditions:
Cardiovascular phenotype. Identifiers: MedGen CN230736.
Dilated cardiomyopathy 1G (CMD1G). Identifiers: Orphanet 154, MedGen C1858763, MONDO:0011400, OMIM 604145.
Autosomal recessive limb-girdle muscular dystrophy type 2J (LGMDR10). Also called: Limb-girdle muscular dystrophy, type 2J; MUSCULAR DYSTROPHY, LIMB-GIRDLE, AUTOSOMAL RECESSIVE 10. Identifiers: Orphanet 140922, MedGen C1837342, MONDO:0012127, OMIM 608807.
Tibial muscular dystrophy (TMD). Also called: UDD MYOPATHY; Udd Distal Myopathy – Tibial Muscular Dystrophy; Tibial muscular dystrophy, tardive. Identifiers: Orphanet 609, MedGen C1838244, MONDO:0010870, OMIM 600334.
Early-onset myopathy with fatal cardiomyopathy (CMYO5). Also called: Salih Myopathy; CONGENITAL MYOPATHY 5 WITH CARDIOMYOPATHY. Identifiers: Orphanet 289377, MedGen C2673677, MONDO:0012714, OMIM 611705. Disease mechanism: loss of function.
Myopathy, myofibrillar, 9, with early respiratory failure (MFM9). Also called: Hereditary myopathy with early respiratory failure; EDSTROM MYOPATHY; MYOPATHY, PROXIMAL, WITH EARLY RESPIRATORY MUSCLE INVOLVEMENT; Myopathy, distal, with early respiratory failure, autosomal dominant. Identifiers: Orphanet 178464, Orphanet 34521, MedGen C1863599, MONDO:0011362, OMIM 603689.

Allele frequency attached by ClinVar (database versions not stated): gnomAD 0.00004; TOPMed 0.00015; gnomAD exomes 0.00021; ExAC 0.00022.
gnomAD v4.1: 95 of 1,613,786 alleles (0.0059%); highest among the groups gnomAD compares: Admixed American, 0.088%; no homozygotes.

Submissions (11):

Labcorp Genetics (formerly Invitae), Labcorp
Classification: Benign for Dilated cardiomyopathy 1G; Autosomal recessive limb-girdle muscular dystrophy type 2J. Last evaluated: 2026-01-17. Review status: criteria provided, single submitter. Criteria: Invitae Variant Classification Sherloc (09022015). Collection method: clinical testing. Allele origin: germline.

GeneDx
Classification: Likely benign. Last evaluated: 2020-11-27. Review status: criteria provided, single submitter. Criteria: GeneDx Variant Classification Process June 2021. Collection method: clinical testing. Allele origin: germline. Affected: yes.

Ambry Genetics
Classification: Likely benign for Cardiovascular phenotype. Last evaluated: 2018-01-25. Review status: criteria provided, single submitter. Criteria: Ambry Variant Classification Scheme 2023. Collection method: clinical testing. Allele origin: germline.

Illumina Laboratory Services, Illumina
Classification: Uncertain significance for Early-onset myopathy with fatal cardiomyopathy. Last evaluated: 2018-01-13. Review status: criteria provided, single submitter. Criteria: ICSL Variant Classification Criteria 13 December 2019. Collection method: clinical testing. Allele origin: germline.

Illumina Laboratory Services, Illumina
Classification: Uncertain significance for Autosomal recessive limb-girdle muscular dystrophy type 2J. Last evaluated: 2018-01-13. Review status: criteria provided, single submitter. Criteria: ICSL Variant Classification Criteria 13 December 2019. Collection method: clinical testing. Allele origin: germline.

Illumina Laboratory Services, Illumina
Classification: Benign for Tibial muscular dystrophy. Last evaluated: 2018-01-13. Review status: criteria provided, single submitter. Criteria: ICSL Variant Classification Criteria 13 December 2019. Collection method: clinical testing. Allele origin: germline.
Comment: This variant was observed in the ICSL laboratory as part of a predisposition screen in an ostensibly healthy population. It had not been previously curated by ICSL or reported in the Human Gene Mutation Database (HGMD: prior to June 1st, 2018), and was therefore a candidate for classification through an automated scoring system. Utilizing variant allele frequency, disease prevalence and penetrance estimates, and inheritance mode, an automated score was calculated to assess if this variant is too frequent to cause the disease. Based on the score and internal cut-off values, a variant classified as benign is not then subjected to further curation. The score for this variant resulted in a classification of benign for this disease.

Illumina Laboratory Services, Illumina
Classification: Benign for Myopathy, myofibrillar, 9, with early respiratory failure. Last evaluated: 2018-01-13. Review status: criteria provided, single submitter. Criteria: ICSL Variant Classification Criteria 13 December 2019. Collection method: clinical testing. Allele origin: germline.
Comment: the same text as in the submission from Illumina Laboratory Services, Illumina above.

Illumina Laboratory Services, Illumina
Classification: Uncertain significance for Dilated cardiomyopathy 1G. Last evaluated: 2018-01-13. Review status: criteria provided, single submitter. Criteria: ICSL Variant Classification Criteria 13 December 2019. Collection method: clinical testing. Allele origin: germline.

Eurofins Ntd Llc (ga)
Classification: Likely benign. Last evaluated: 2017-07-10. Review status: criteria provided, single submitter. Criteria: EGL Classification Definitions 2015. Collection method: clinical testing. Allele origin: germline. Observed: 2 variant alleles, 2 heterozygotes.

Clinical Genetics, Academic Medical Center
Classification: Benign. Review status: no assertion criteria provided. Collection method: clinical testing. Allele origin: germline. Affected: yes. Study: VKGL Data-share Consensus. Not counted in ClinVar's aggregate classification.

Joint Genome Diagnostic Labs from Nijmegen and Maastricht, Radboudumc and MUMC+
Classification: Likely benign. Review status: no assertion criteria provided. Collection method: clinical testing. Allele origin: germline. Affected: yes. Study: VKGL Data-share Consensus. Not counted in ClinVar's aggregate classification.